The following is an entry in ClinVar:

ClinVar aggregate classification (germline): Uncertain significance (1 of 4 stars; one submission).

Submission:

Ambry Genetics
Classification: Uncertain significance. Last evaluated: 2025-10-22. Review status: criteria provided, single submitter. Criteria: Ambry Variant Classification Scheme 2023. Collection method: clinical testing. Allele origin: germline.
Comment: The p.P552L variant (also known as c.1655C>T), located in coding exon 2 of the CDK12 gene, results from a C to T substitution at nucleotide position 1655. The proline at codon 552 is replaced by leucine, an amino acid with similar properties. This amino acid position is conserved. In addition, this alteration is predicted to be tolerated by in silico analysis. Based on the available evidence, the clinical significance of this variant remains unclear.

NM_016507.4(CDK12):c.1655C>T (p.Pro552Leu)

Gene: CDK12 (cyclin dependent kinase 12; plus strand). Cytogenetic location: 17q12.
Variant type: single nucleotide variant.
Coding change: c.1655C>T on transcript NM_016507.4 (MANE Select); coding-DNA position 1655, C replaced by T.
Protein change: p.Pro552Leu; replaces proline 552 with leucine.
Molecular consequence: missense variant.
Genome position (GRCh38, 1-based): chr17:39,471,487, C>T. VCF-style: chr17-39471487-C-T. GRCh37 (hg19) VCF-style: chr17-37627740-C-T.
Other names: c.1655C>T, p.Pro552Leu (NM_015083.4); short protein forms P552L.
Identifiers: ClinVar variation 4651396 (VCV004651396.1).